The following is an entry in ClinVar:

ClinVar aggregate classification (germline): Benign/Likely benign. Review status: criteria provided, multiple submitters, no conflicts (2 of 4 stars). 5 submissions from 5 submitters: Benign (2); Likely benign (1). 2 of the submissions do not count toward it. Last evaluated 2026-01-24.

Conditions:
GNPTG-related disorder. Also called: GNPTG-related condition.
GNPTG-mucolipidosis. Also called: MUCOLIPIDOSIS III, COMPLEMENTATION GROUP C; MUCOLIPIDOSIS III, IRANIAN VARIANT FORM; MUCOLIPIDOSIS III, VARIANT FORM; ML III GAMMA; ML IIIC; Mucolipidosis type III gamma. Identifiers: Orphanet 423470, Orphanet 577, MedGen C1854896, MONDO:0009652, OMIM 252605.

Allele frequency attached by ClinVar (database versions not stated): ExAC 0.00091; gnomAD 0.00252; TOPMed 0.00298; 1000 Genomes Project 0.00300; 1000 Genomes Project 30x 0.00328; ESP Exome Variant Server 0.00392.
gnomAD v4.1: 832 of 1,613,516 alleles (0.052%); highest among the groups gnomAD compares: African/African-American, 1%; 2 homozygotes.

Submissions (5):

Labcorp Genetics (formerly Invitae), Labcorp
Classification: Benign. Last evaluated: 2026-01-24. Review status: criteria provided, single submitter. Criteria: Invitae Variant Classification Sherloc (09022015). Collection method: clinical testing. Allele origin: germline.

Mayo Clinic Laboratories, Mayo Clinic
Classification: Benign. Last evaluated: 2025-03-12. Review status: criteria provided, single submitter. Criteria: ACMG Guidelines, 2015. Collection method: clinical testing. Allele origin: germline. Observed: 2 variant alleles.
Comment: BA1, BP4

Blueprint Genetics
Classification: Likely benign. Last evaluated: 2024-10-04. Review status: criteria provided, single submitter. Criteria: ACMG Guidelines, 2015. Collection method: clinical testing. Allele origin: germline.

Natera, Inc.
Classification: Benign for Mucolipidosis III gamma. Last evaluated: 2020-01-23. Review status: no assertion criteria provided. Collection method: clinical testing. Allele origin: germline. Not counted in ClinVar's aggregate classification.

PreventionGenetics, part of Exact Sciences
Classification: Benign for GNPTG-related condition. Last evaluated: 2019-06-05. Review status: no assertion criteria provided. Collection method: clinical testing. Allele origin: germline. Not counted in ClinVar's aggregate classification.
Comment: This variant is classified as benign based on ACMG/AMP sequence variant interpretation guidelines (Richards et al. 2015 PMID: 25741868, with internal and published modifications).

NM_032520.5(GNPTG):c.450T>G (p.His150Gln)

Gene: GNPTG (N-acetylglucosamine-1-phosphate transferase subunit gamma; plus strand). Cytogenetic location: 16p13.3.
Variant type: single nucleotide variant.
Coding change: c.450T>G on transcript NM_032520.5 (MANE Select); coding-DNA position 450, T replaced by G.
Protein change: p.His150Gln; replaces histidine 150 with glutamine.
Molecular consequence: missense variant.
Genome position (GRCh38, 1-based): chr16:1,362,244, T>G. VCF-style: chr16-1362244-T-G. GRCh37 (hg19) VCF-style: chr16-1412245-T-G.
Other names: p.His150Gln; short protein forms H150Q.
Identifiers: ClinVar variation 712909 (VCV000712909.16), dbSNP rs147109185, ClinGen allele CA7807707.